The following is an entry in ClinVar:

ClinVar aggregate classification (germline): Likely pathogenic (1 of 4 stars; one submission).

Conditions:
Oculocerebrofacial syndrome, Kaufman type. Also called: Blepharophimosis-ptosis-intellectual disability syndrome. Identifiers: Orphanet 2707, MedGen C1855663, MONDO:0009485, OMIM 244450.

Submission:

Variantyx, Inc.
Classification: Likely pathogenic for Oculocerebrofacial syndrome, Kaufman type. Last evaluated: 2025-07-02. Review status: criteria provided, single submitter. Criteria: Variantyx Assertion Criteria 2022. Collection method: clinical testing. Allele origin: germline. Inheritance: Autosomal recessive inheritance. Affected: yes.
Comment: This is a frameshift variant in the UBE3B gene (OMIM: 608047). Pathogenic variants in this gene have been associated with autosomal recessive Kaufman oculocerebrofacial syndrome. The alteration introduces a premature termination codon in exon 10 out of 28 and is expected to result in loss of function, which is a known disease mechanism for UBE3B in this disorder (PMID: 23200864) (PVS1). Based on the current evidence, this variant is classified as pathogenic for autosomal recessive Kaufman oculocerebrofacial syndrome.

Literature cited by the submitters: PubMed 23200864.

NM_130466.4(UBE3B):c.792dup (p.Thr265fs)

Gene: UBE3B (ubiquitin protein ligase E3B; plus strand). Cytogenetic location: 12q24.11.
Variant type: Duplication.
Coding change: c.792dup on transcript NM_130466.4 (MANE Select); coding-DNA position 792, one base duplicated (G; older notation c.792dupG).
Protein change: p.Thr265fs; shifts the reading frame from threonine 265.
Molecular consequence: frameshift variant.
Genome position (GRCh38, 1-based): chr12:109,497,896, G duplicated. VCF-style (leftmost placement, unchanged base first): chr12-109497895-T-TG. GRCh37 (hg19) VCF-style: chr12-109935700-T-TG.
Other names: c.792dup, p.Thr265fs (NM_183415.3); short protein forms T265fs.
Identifiers: ClinVar variation 4850202 (VCV004850202.1).